The following is an entry in ClinVar:

NM_001035.3(RYR2):c.2468A>G (p.Tyr823Cys)

Gene: RYR2 (ryanodine receptor 2; plus strand). Cytogenetic location: 1q43.
Variant type: single nucleotide variant.
Coding change: c.2468A>G on transcript NM_001035.3 (MANE Select); coding-DNA position 2468, A replaced by G.
Protein change: p.Tyr823Cys; replaces tyrosine 823 with cysteine.
Molecular consequence: missense variant.
Genome position (GRCh38, 1-based): chr1:237,503,360, A>G. VCF-style: chr1-237503360-A-G. GRCh37 (hg19) VCF-style: chr1-237666660-A-G.
Other names: short protein forms Y823C.
Identifiers: ClinVar variation 4076548 (VCV004076548.1).

ClinVar aggregate classification (germline): Uncertain significance (1 of 4 stars; one submission).

gnomAD v4.1: 1 of 1,613,966 alleles (0.000062%); highest among the groups gnomAD compares: South Asian, 0.0011%; no homozygotes.

Submission:

GeneDx
Classification: Uncertain significance. Last evaluated: 2025-02-25. Review status: criteria provided, single submitter. Criteria: GeneDx Variant Classification Process June 2021. Collection method: clinical testing. Allele origin: germline. Affected: yes.
Comment: Not observed at significant frequency in large population cohorts (gnomAD); In silico analysis supports that this missense variant has a deleterious effect on protein structure/function; Has not been previously published as pathogenic or benign to our knowledge; Not located in one of the three hot-spot regions of the RYR2 gene, where the majority of pathogenic missense variants occur (PMID: 19926015); This variant is associated with the following publications: (PMID: 19926015)